The following is an entry in ClinVar:

ClinVar aggregate classification (germline): Uncertain significance (1 of 4 stars; one submission).

Submission:

Labcorp Genetics (formerly Invitae), Labcorp
Classification: Uncertain significance. Last evaluated: 2019-09-10. Review status: criteria provided, single submitter. Criteria: Invitae Variant Classification Sherloc (09022015). Collection method: clinical testing. Allele origin: germline.
Comment: This variant results in a copy number gain of the genomic region encompassing the full coding sequence of the PEX3 gene. The boundaries of this event are unknown as they extend beyond the assayed region for this gene and therefore may encompass additional genes. As the precise location of this event is unknown, it may be in tandem or it may be located elsewhere in the genome. This variant has not been reported in the literature in individuals with PEX3-related conditions. In summary, the available evidence is currently insufficient to determine the role of this variant in disease. Therefore, it has been classified as a Variant of Uncertain Significance.

NC_000006.12:g.(?_143333282)_(143511634_?)dup

Genes: ADAT2 (adenosine deaminase tRNA specific 2; minus strand), AIG1 (androgen induced 1; plus strand), FUCA2 (alpha-L-fucosidase 2; minus strand), PEX3 (peroxisomal biogenesis factor 3; plus strand). Cytogenetic location: 6q24.2.
Variant type: Duplication.
Identifiers: ClinVar variation 832557 (VCV000832557.1).